The following is an entry in ClinVar:

NM_003193.5(TBCE):c.924del (p.Ser308_Leu309insTer)

Gene: TBCE (tubulin folding cofactor E; plus strand). Cytogenetic location: 1q42.3.
Variant type: Deletion.
Coding change: c.924del on transcript NM_003193.5 (MANE Select); coding-DNA position 924, one base deleted (C; older notation c.924delC).
Protein change: p.Ser308_Leu309insTer.
Molecular consequence: frameshift variant.
Genome position (GRCh38, 1-based): chr1:235,436,569, C deleted; the last of 2 consecutive C bases (chr1:235,436,568-235,436,569); deleting either gives the same sequence. VCF-style (leftmost placement, unchanged base first): chr1-235436567-TC-T. GRCh37 (hg19) VCF-style: chr1-235599882-TC-T.
Other names: c.1076delC (NM_001079515.2); c.924del, p.Ser308_Leu309insTer (NM_001079515.3); c.1077del, p.Ser359_Leu360insTer (NM_001287801.2); c.585del, p.Ser195_Leu196insTer (NM_001287802.2).
Identifiers: ClinVar variation 372200 (VCV000372200.7), dbSNP rs750781063, ClinGen allele CA1464267.

ClinVar aggregate classification (germline): Pathogenic. Review status: criteria provided, multiple submitters, no conflicts (2 of 4 stars). 3 submissions from 3 submitters: Pathogenic (2). 1 of the submissions does not count toward it. Last evaluated 2023-07-22.

Conditions:
TBCE-related disorder. Also called: TBCE-related disorders; TBCE-related condition.
Encephalopathy, progressive, with amyotrophy and optic atrophy (PEAMO). Identifiers: MedGen C4310667, MONDO:0014968, OMIM 617207.

Submissions (3):

Labcorp Genetics (formerly Invitae), Labcorp
Classification: Pathogenic. Last evaluated: 2023-07-22. Review status: criteria provided, single submitter. Criteria: Invitae Variant Classification Sherloc (09022015). Collection method: clinical testing. Allele origin: germline.
Comment: This sequence change creates a premature translational stop signal (p.Leu309*) in the TBCE gene. It is expected to result in an absent or disrupted protein product. Loss-of-function variants in TBCE are known to be pathogenic (PMID: 27666369, 34134906, 34356170). This variant is present in population databases (rs750781063, gnomAD 0.003%). For these reasons, this variant has been classified as Pathogenic. ClinVar contains an entry for this variant (Variation ID: 372200). This variant is also known as c.1076delC. This premature translational stop signal has been observed in individual(s) with progressive encephalopathy with amyotrophy and optic atrophy (PMID: 27666369, 34134906). In at least one individual the data is consistent with being in trans (on the opposite chromosome) from a pathogenic variant.

Women's Health and Genetics/Laboratory Corporation of America, LabCorp
Classification: Pathogenic for TBCE-Related Disorder. Last evaluated: 2022-09-22. Review status: criteria provided, single submitter. Criteria: LabCorp Variant Classification Summary - May 2015. Collection method: clinical testing. Allele origin: germline.
Comment: Variant summary: TBCE c.924delC (p.Leu309X) results in a premature termination codon, predicted to cause a truncation of the encoded protein or absence of the protein due to nonsense mediated decay, which are commonly known mechanisms for disease. A truncation downstream of this position is reported in HGMD and classified as pathogenic. The variant allele was found at a frequency of 1.6e-05 in 251488 control chromosomes. c.924delC has been reported in the literature in individuals affected with TBCE-Related Disorder (Sferra_2016, Battini_2021). These data indicate that the variant is associated with disease. One publication reports experimental evidence evaluating an impact on mRNA and protein expression, which found the frameshift variant to be undetectable at the mRNA level, indicating nonsense-mediated RNA decay (Sferra_2016). One clinical diagnostic laboratory has submitted clinical-significance assessments for this variant to ClinVar after 2014 without evidence for independent evaluation, classifying the variant as pathogenic. Based on the evidence outlined above, the variant was classified as pathogenic.

OMIM
Classification: Pathogenic for ENCEPHALOPATHY, PROGRESSIVE, WITH AMYOTROPHY AND OPTIC ATROPHY. Last evaluated: 2016-11-29. Review status: no assertion criteria provided. Collection method: literature only. Allele origin: germline. Not counted in ClinVar's aggregate classification.

Literature cited by the submitters: PubMed 27666369 (cited by 3 submitters); PubMed 34134906 (cited by Labcorp Genetics (formerly Invitae), Labcorp and Women's Health and Genetics/Laboratory Corporation of America, LabCorp); PubMed 34356170 (cited by Labcorp Genetics (formerly Invitae), Labcorp).